The following is an entry in ClinVar:

NM_001270520.2(DAAM1):c.2891G>A (p.Gly964Asp)

Gene: DAAM1 (dishevelled associated activator of morphogenesis 1; plus strand). Cytogenetic location: 14q23.1.
Variant type: single nucleotide variant.
Coding change: c.2891G>A on transcript NM_001270520.2 (MANE Select); coding-DNA position 2891, G replaced by A.
Protein change: p.Gly964Asp; replaces glycine 964 with aspartic acid.
Molecular consequence: missense variant.
Genome position (GRCh38, 1-based): chr14:59,367,493, G>A. VCF-style: chr14-59367493-G-A. GRCh37 (hg19) VCF-style: chr14-59834211-G-A.
Other names: c.2921G>A, p.Gly974Asp (NM_014992.2); short protein forms G964D, G974D.
Identifiers: ClinVar variation 2633539 (VCV002633539.2), dbSNP rs2503305592, ClinGen allele CA389880313.

ClinVar aggregate classification (germline): Uncertain significance (1 of 4 stars; one submission).

Conditions:
DAAM1-related disorder. Also called: DAAM1-related condition.

Submission:

PreventionGenetics, part of Exact Sciences
Classification: Uncertain significance for DAAM1-related condition. Last evaluated: 2026-07-14. Review status: criteria provided, single submitter. Criteria: ACMG Guidelines, 2015. Collection method: clinical testing. Allele origin: germline.
Comment: The DAAM1 c.2921G>A variant is predicted to result in the amino acid substitution p.Gly974Asp. To our knowledge, this variant has not been reported in the literature or in a large population database (gnomAD), indicating this variant is rare. At this time, the clinical significance of this variant is uncertain due to the absence of conclusive functional and genetic evidence.